The following is an entry in ClinVar:

NM_001308093.3(GATA4):c.1187C>G (p.Ser396Cys)

Gene: GATA4 (GATA binding protein 4). Cytogenetic location: 8p23.1.
Variant type: single nucleotide variant.
Coding change: c.1187C>G on transcript NM_001308093.3 (MANE Select); coding-DNA position 1187, C replaced by G.
Protein change: p.Ser396Cys; replaces serine 396 with cysteine.
Molecular consequence: missense variant.
Genome position (GRCh38, 1-based): chr8:11,758,330, C>G. VCF-style: chr8-11758330-C-G. GRCh37 (hg19) VCF-style: chr8-11615839-C-G.
Other names: c.566C>G, p.Ser189Cys (NM_001308094.2, NM_001374273.1); c.440C>G, p.Ser147Cys (NM_001374274.1); c.1184C>G, p.Ser395Cys (NM_002052.5); short protein forms S147C, S395C, S189C, S396C.
Identifiers: ClinVar variation 3280850 (VCV003280850.2).

ClinVar aggregate classification (germline): Uncertain significance. Review status: criteria provided, multiple submitters, no conflicts (2 of 4 stars). 2 submissions from 2 submitters: Uncertain significance (2). Last evaluated 2024-10-14.

Conditions:
Cardiovascular phenotype. Identifiers: MedGen CN230736.

gnomAD v4.1: 1 of 1,614,170 alleles (0.000062%); highest among the groups gnomAD compares: South Asian, 0.0011%; no homozygotes.

Submissions (2):

GeneDx
Classification: Uncertain significance. Last evaluated: 2024-10-14. Review status: criteria provided, single submitter. Criteria: GeneDx Variant Classification Process June 2021. Collection method: clinical testing. Allele origin: germline. Affected: yes.
Comment: Not observed at significant frequency in large population cohorts (gnomAD); In silico analysis supports that this missense variant has a deleterious effect on protein structure/function; Has not been previously published as pathogenic or benign to our knowledge

Ambry Genetics
Classification: Uncertain significance for Cardiovascular phenotype. Last evaluated: 2024-05-02. Review status: criteria provided, single submitter. Criteria: Ambry Variant Classification Scheme 2023. Collection method: clinical testing. Allele origin: germline.
Comment: The p.S395C variant (also known as c.1184C>G), located in coding exon 6 of the GATA4 gene, results from a C to G substitution at nucleotide position 1184. The serine at codon 395 is replaced by cysteine, an amino acid with dissimilar properties. This amino acid position is conserved. In addition, the in silico prediction for this alteration is inconclusive. Based on the available evidence, the clinical significance of this variant remains unclear.